The following is an entry in ClinVar:

NM_004260.4(RECQL4):c.2756-1G>A

Gene: RECQL4 (RecQ like helicase 4; minus strand). Cytogenetic location: 8q24.3.
Variant type: single nucleotide variant.
Coding change: c.2756-1G>A on transcript NM_004260.4 (MANE Select); the canonical splice acceptor site of the intron before coding-DNA position 2756, G replaced by A.
Molecular consequence: splice acceptor variant. On other transcripts: missense variant (3).
Genome position (GRCh38, 1-based): chr8:144,512,772, C>T on the plus strand (G>A on the coding strand, the complement: RECQL4 is on the minus strand). VCF-style: chr8-144512772-C-T. GRCh37 (hg19) VCF-style: chr8-145738155-C-T.
Other names: c.2830G>A, p.Ala944Thr (NM_001413019.1); c.1759G>A, p.Ala587Thr (NM_001413023.1); c.1693G>A, p.Ala565Thr (NM_001413041.1); c.2627-1G>A (NM_001413025.1); c.2405-1G>A (NM_001413029.1); c.1619-1G>A (NM_001413032.1, NM_001413027.1, NM_001413030.1); c.1685-1G>A (NM_001413035.1, NM_001413040.1, NM_001413021.1 and 4 more transcripts); c.2462-1G>A (NM_001413017.1); and 9 more; short protein forms A565T, A587T, A944T.
Identifiers: ClinVar variation 579806 (VCV000579806.6), dbSNP rs1564791894, ClinGen allele CA372674600.

ClinVar aggregate classification (germline): Likely pathogenic (1 of 4 stars; one submission).

Conditions:
Baller-Gerold syndrome (BGS). Also called: CRANIOSYNOSTOSIS WITH RADIAL DEFECTS. Identifiers: Orphanet 1225, MedGen C0265308, MONDO:0009039, OMIM 218600.

Submission:

Labcorp Genetics (formerly Invitae), Labcorp
Classification: Likely pathogenic for Baller-Gerold syndrome. Last evaluated: 2018-03-15. Review status: criteria provided, single submitter. Criteria: Invitae Variant Classification Sherloc (09022015). Collection method: clinical testing. Allele origin: germline.
Comment: In summary, the currently available evidence indicates that the variant is pathogenic, but additional data are needed to prove that conclusively. Therefore, this variant has been classified as Likely Pathogenic. Donor and acceptor splice site variants typically lead to a loss of protein function (PMID: 16199547), and loss-of-function variants in RECQL4 are known to be pathogenic (PMID: 12734318, 12952869). Algorithms developed to predict the effect of sequence changes on RNA splicing suggest that this variant may disrupt the consensus splice site, but this prediction has not been confirmed by published transcriptional studies. This variant has not been reported in the literature in individuals with RECQL4-related disease. This variant is not present in population databases (ExAC no frequency). This sequence change affects an acceptor splice site in intron 15 of the RECQL4 gene. It is expected to disrupt RNA splicing and likely results in an absent or disrupted protein product.

Literature cited by the submitters: PubMed 16199547; PubMed 12734318; PubMed 12952869.